The following is an entry in ClinVar:

ClinVar aggregate classification (germline): Pathogenic (1 of 4 stars; one submission).

Conditions:
Hereditary cancer-predisposing syndrome. Also called: Neoplastic Syndromes, Hereditary; Hereditary Cancer Syndrome; Tumor predisposition; Hereditary neoplastic syndrome. Identifiers: Orphanet 140162, MedGen C0027672, MeSH D009386, MONDO:0015356.

Submission:

GeneKor MSA
Classification: Pathogenic for Hereditary cancer-predisposing syndrome. Last evaluated: 2020-01-01. Review status: criteria provided, single submitter. Criteria: ACMG Guidelines, 2015. Collection method: clinical testing. Allele origin: germline.
Comment: This variant is a large genomic deletion which encompasses exon 23 of the BRCA1 gene. It is expected to result in an absent or disrupted protein product. Truncating variants in BRCA1 are known to be pathogenic (PMID: 20104584). This variant has been described in the international literature in the individuals with breast cancer (PMID:12670888) and in individuals undergoing panel testing for hereditary syndrome (PMID: 31159747).

deletion of exon 23

NM_007294.3(BRCA1):c.(5467+1_5468-1)_(*1_?)del

Gene: BRCA1 (BRCA1 DNA repair associated; minus strand).
Variant type: Deletion.
Coding change: c.(5467+1_5468-1)_(*1_?)del on transcript NM_007294.3; a large deletion whose breakpoints are not mapped to the base.
Other names: c.(5467+1_5468-1)_(*1_?)del (LRG_292t1).
Identifiers: ClinVar variation 584573 (VCV000584573.3).